The following is an entry in ClinVar:

NM_001148.6(ANK2):c.3748G>A (p.Gly1250Ser)

Gene: ANK2 (ankyrin 2; plus strand). Cytogenetic location: 4q26.
Variant type: single nucleotide variant.
Coding change: c.3748G>A on transcript NM_001148.6 (MANE Select); coding-DNA position 3748, G replaced by A.
Protein change: p.Gly1250Ser; replaces glycine 1250 with serine.
Molecular consequence: missense variant.
Genome position (GRCh38, 1-based): chr4:113,336,733, G>A. VCF-style: chr4-113336733-G-A. GRCh37 (hg19) VCF-style: chr4-114257889-G-A.
Other names: c.3721G>A, p.Gly1241Ser (NM_001127493.3); c.3760G>A, p.Gly1254Ser (NM_001354225.2); c.3649G>A, p.Gly1217Ser (NM_001354228.2, NM_001354258.2); c.3727G>A, p.Gly1243Ser (NM_001354230.2); c.3790G>A, p.Gly1264Ser (NM_001354231.2, NM_001354242.2); c.3784G>A, p.Gly1262Ser (NM_001354232.2); c.3745G>A, p.Gly1249Ser (NM_001354235.2, NM_001354246.2, NM_001354265.2); c.3646G>A, p.Gly1216Ser (NM_001354236.2); and 31 more; short protein forms G1089S, G1150S, G1179S, G1198S, G1203S, G1228S, G1245S, G1269S.
Identifiers: ClinVar variation 2450645 (VCV002450645.2), dbSNP rs2503206039, ClinGen allele CA357938787.

ClinVar aggregate classification (germline): Uncertain significance (1 of 4 stars; one submission).

Conditions:
Cardiovascular phenotype. Identifiers: MedGen CN230736.

Submission:

Ambry Genetics
Classification: Uncertain significance for Cardiovascular phenotype. Last evaluated: 2023-01-16. Review status: criteria provided, single submitter. Criteria: Ambry Variant Classification Scheme 2023. Collection method: clinical testing. Allele origin: germline.
Comment: The p.G1250S variant (also known as c.3748G>A), located in coding exon 31 of the ANK2 gene, results from a G to A substitution at nucleotide position 3748. The glycine at codon 1250 is replaced by serine, an amino acid with similar properties. This amino acid position is conserved. In addition, the in silico prediction for this alteration is inconclusive. Since supporting evidence is limited at this time, the clinical significance of this alteration remains unclear.